The following is an entry in ClinVar:

NC_000003.12:g.169764974G>A

Genes: TERC (telomerase RNA component; minus strand), LOC110806306 (telomerase RNA component (TERC) promoter; plus strand). Cytogenetic location: 3q26.2.
Variant type: single nucleotide variant.
Genome position: GRCh38 VCF-style: chr3-169764974-G-A. GRCh37 (hg19) VCF-style: chr3-169482762-G-A.
Identifiers: ClinVar variation 1940510 (VCV001940510.5), dbSNP rs1777963818, ClinGen allele CA436715845.
Genomic context (GRCh38, chr3:169,764,974, plus strand): 5'-AAGGCGGCAGGCCGAGGCTTTTCCGCCCGCTGAAAGTCAGCGAGAAAAACAGCGCGCGGG[G>A]AGCAAAAGCACGGCGCCTACGCCCTTCTCAGTTAGGGTTAGACAAAAAATGGCCACCACC-3'

ClinVar aggregate classification (germline): Uncertain significance (1 of 4 stars; one submission).

Conditions:
Dyskeratosis congenita, autosomal dominant 1 (DKCA1). Also called: Dyskeratosis congenita Scoggins type. Identifiers: Orphanet 1775, MedGen C4551974, MONDO:0007485, OMIM 127550. Inheritance: Variable.

Submission:

Labcorp Genetics (formerly Invitae), Labcorp
Classification: Uncertain significance for Dyskeratosis congenita, autosomal dominant 1. Last evaluated: 2022-03-01. Review status: criteria provided, single submitter. Criteria: Invitae Variant Classification Sherloc (09022015). Collection method: clinical testing. Allele origin: germline.
Comment: This variant has not been reported in the literature in individuals affected with TERC-related conditions. This variant is not present in population databases (gnomAD no frequency). This variant occurs in the TERC gene, which encodes an RNA molecule that does not result in a protein product. This variant is located in a region of TERC in which a significant number of disease causing variants have been reported (PMID: 15082312, 21844345, 21931702). These observations suggest that this may be a clinically significant region. This variant is located within the template/pseudoknot domain of the TERC RNA component, which is required for RNA or RNP stability (PMID: 15082312, 21844345). In summary, the available evidence is currently insufficient to determine the role of this variant in disease. Therefore, it has been classified as a Variant of Uncertain Significance.

Literature cited by the submitters: PubMed 15082312; PubMed 21844345; PubMed 21931702.